The following is an entry in ClinVar:

NM_000245.4(MET):c.3878C>G (p.Thr1293Ser)

Gene: MET (MET proto-oncogene, receptor tyrosine kinase; plus strand). Cytogenetic location: 7q31.2.
Variant type: single nucleotide variant.
Coding change: c.3878C>G on transcript NM_000245.4 (MANE Select); coding-DNA position 3878, C replaced by G.
Protein change: p.Thr1293Ser; replaces threonine 1293 with serine.
Molecular consequence: missense variant.
Genome position (GRCh38, 1-based): chr7:116,795,734, C>G. VCF-style: chr7-116795734-C-G. GRCh37 (hg19) VCF-style: chr7-116435788-C-G.
Other names: c.3932C>G, p.Thr1311Ser (NM_001127500.3); c.2588C>G, p.Thr863Ser (NM_001324402.2); short protein forms T1311S, T1293S, T863S.
Identifiers: ClinVar variation 584719 (VCV000584719.19), dbSNP rs779121848, ClinGen allele CA4448793.
Genomic context (GRCh38, chr7:116,795,734, plus strand): 5'-TCTGGGAGCTGATGACAAGAGGAGCCCCACCTTATCCTGACGTAAACACCTTTGATATAA[C>G]TGTTTACTTGTTGCAAGGGAGAAGACTCCTACAACCCGAATACTGCCCAGACCCCTTGTA-3'
Protein context (NP_000236.2, residues 1283-1303): PYPDVNTFDI[Thr1293Ser]VYLLQGRRLL

ClinVar aggregate classification (germline): Uncertain significance. Review status: criteria provided, multiple submitters, no conflicts (2 of 4 stars). 5 submissions from 5 submitters: Uncertain significance (5). Last evaluated 2025-11-09.

Conditions:
Osteofibrous dysplasia (OSFD). Also called: Tibia, bowing of, with pseudarthrosis and pectus excavatum. Identifiers: Orphanet 488265, MedGen C4085248, MONDO:0011806, OMIM 607278.
Papillary renal cell carcinoma type 1 (RCCP1). Also called: Renal adenocarcinoma; Renal cell carcinoma 1; Renal cell carcinoma, somatic; RENAL CELL CARCINOMA, PAPILLARY, 1, SOMATIC. Identifiers: Orphanet 47044, MedGen C1336839, OMIM 605074, HP:0011797.
Autosomal recessive nonsyndromic hearing loss 97. Also called: Deafness, autosomal recessive 97. Identifiers: Orphanet 90636, MedGen C4084709, MONDO:0014739, OMIM 616705.
Hepatocellular carcinoma (HCC). Also called: HEPATOMA; LIVER CELL CARCINOMA; Primary carcinoma of liver. Identifiers: Orphanet 88673, MedGen C2239176, MONDO:0007256, OMIM 114550, HP:0001402.
Arthrogryposis, distal, IIa 11. Also called: Arthrogryposis, distal, type 11. Identifiers: MedGen C5774205, MONDO:0031045, OMIM 620019.
Renal cell carcinoma. Identifiers: Orphanet 217071, MedGen C0007134, MeSH D002292, MONDO:0005086, HP:0005584.
Hereditary cancer-predisposing syndrome. Also called: Neoplastic Syndromes, Hereditary; Hereditary Cancer Syndrome; Tumor predisposition; Hereditary neoplastic syndrome. Identifiers: Orphanet 140162, MedGen C0027672, MeSH D009386, MONDO:0015356.

Allele frequency attached by ClinVar (database versions not stated): gnomAD exomes below 0.00001 and 0.00001; ExAC 0.00001; gnomAD 0.00001; TOPMed 0.00002.
gnomAD v4.1: 5 of 1,614,038 alleles (0.00031%); highest among the groups gnomAD compares: Non-Finnish European, 0.00034%; no homozygotes.

Submissions (5):

Labcorp Genetics (formerly Invitae), Labcorp
Classification: Uncertain significance for Renal cell carcinoma. Last evaluated: 2025-11-09. Review status: criteria provided, single submitter. Criteria: Invitae Variant Classification Sherloc (09022015). Collection method: clinical testing. Allele origin: germline.
Comment: This sequence change replaces threonine, which is neutral and polar, with serine, which is neutral and polar, at codon 1311 of the MET protein (p.Thr1311Ser). This variant is present in population databases (rs779121848, gnomAD 0.002%). This variant has not been reported in the literature in individuals affected with MET-related conditions. ClinVar contains an entry for this variant (Variation ID: 584719). Invitae Evidence Modeling of protein sequence and biophysical properties (such as structural, functional, and spatial information, amino acid conservation, physicochemical variation, residue mobility, and thermodynamic stability) has been performed for this missense variant. However, the output from this modeling did not meet the statistical confidence thresholds required to predict the impact of this variant on MET protein function. In summary, the available evidence is currently insufficient to determine the role of this variant in disease. Therefore, it has been classified as a Variant of Uncertain Significance.

Ambry Genetics
Classification: Uncertain significance for Hereditary cancer-predisposing syndrome. Last evaluated: 2025-01-21. Review status: criteria provided, single submitter. Criteria: Ambry Variant Classification Scheme 2023. Collection method: clinical testing. Allele origin: germline.
Comment: The p.T1311S variant (also known as c.3932C>G), located in coding exon 19 of the MET gene, results from a C to G substitution at nucleotide position 3932. The threonine at codon 1311 is replaced by serine, an amino acid with similar properties. This amino acid position is highly conserved in available vertebrate species. In addition, the in silico prediction for this alteration is inconclusive. Based on the available evidence, the clinical significance of this variant remains unclear.

Fulgent Genetics
Classification: Uncertain significance for Hepatocellular carcinoma; Papillary renal cell carcinoma type 1; Osteofibrous dysplasia; Autosomal recessive nonsyndromic hearing loss 97; Arthrogryposis, distal, IIa 11. Last evaluated: 2024-06-05. Review status: criteria provided, single submitter. Criteria: ACMG Guidelines, 2015. Collection method: clinical testing. Allele origin: germline.

GeneDx
Classification: Uncertain significance. Last evaluated: 2019-09-03. Review status: criteria provided, single submitter. Criteria: GeneDx Variant Classification Process June 2021. Collection method: clinical testing. Allele origin: germline. Affected: yes.
Comment: Not observed at a significant frequency in large population cohorts (Lek et al., 2016); In silico analysis, which includes protein predictors and evolutionary conservation, supports that this variant does not alter protein structure/function; Has not been previously published as pathogenic or benign to our knowledge

Mendelics
Classification: Uncertain significance for Renal cell carcinoma, papillary, 1. Last evaluated: 2018-07-02. Review status: criteria provided, single submitter. Criteria: Mendelics Assertion Criteria 2017. Collection method: clinical testing. Allele origin: unknown.